The following is an entry in ClinVar:

NM_001267550.2(TTN):c.77677C>T (p.Pro25893Ser)

Genes: TTN (titin; minus strand), TTN-AS1 (TTN antisense RNA 1; plus strand). Cytogenetic location: 2q31.2.
Variant type: single nucleotide variant.
Coding change: c.77677C>T on transcript NM_001267550.2 (MANE Select); coding-DNA position 77677, C replaced by T.
Protein change: p.Pro25893Ser; replaces proline 25893 with serine.
Molecular consequence: missense variant.
Genome position (GRCh38, 1-based): chr2:178,568,455, G>A on the plus strand (C>T on the coding strand, the complement: TTN is on the minus strand). VCF-style: chr2-178568455-G-A. GRCh37 (hg19) VCF-style: chr2-179433182-G-A.
Other names: c.72754C>T, p.Pro24252Ser (NM_001256850.1); c.50482C>T, p.Pro16828Ser (NM_003319.4); c.69973C>T, p.Pro23325Ser (NM_133378.4); c.50857C>T, p.Pro16953Ser (NM_133432.3); c.51058C>T, p.Pro17020Ser (NM_133437.4); short protein forms P16953S, P23325S, P17020S, P24252S, P16828S, P25893S.
Identifiers: ClinVar variation 4998201 (VCV004998201.1).

ClinVar aggregate classification (germline): Uncertain significance (1 of 4 stars; one submission).

Conditions:
TTN-related disorder. Also called: TTN-related disorders; TTN-related condition; TTN-related disease.

gnomAD v4.1: 19 of 1,613,162 alleles (0.0012%); highest among the groups gnomAD compares: Admixed American, 0.032%; no homozygotes.

Submission:

PreventionGenetics, part of Exact Sciences
Classification: Uncertain significance for TTN-related condition. Last evaluated: 2026-05-06. Review status: criteria provided, single submitter. Criteria: ACMG Guidelines, 2015. Collection method: clinical testing. Allele origin: germline.
Comment: The TTN c.77677C>T variant is predicted to result in the amino acid substitution p.Pro25893Ser. To our knowledge, this variant has not been reported in the literature. This variant is reported in 0.015% of alleles in individuals of Latino descent in gnomAD. At this time, the clinical significance of this variant is uncertain due to the absence of conclusive functional and genetic evidence.